The following is an entry in ClinVar:

ClinVar aggregate classification (germline): Likely benign (1 of 4 stars; one submission).

Allele frequency attached by ClinVar (database versions not stated): TOPMed below 0.00001; ExAC 0.00002; gnomAD 0.00002; gnomAD exomes 0.00003; 1000 Genomes Project 0.00040; 1000 Genomes Project 30x 0.00047.
gnomAD v4.1: 11 of 1,610,746 alleles (0.00068%); highest among the groups gnomAD compares: East Asian, 0.0089%; no homozygotes.

Submission:

GeneDx
Classification: Likely benign. Last evaluated: 2017-03-22. Review status: criteria provided, single submitter. Criteria: GeneDx Variant Classification (06012015). Collection method: clinical testing. Allele origin: germline. Affected: yes.
Comment: This variant is considered likely benign or benign based on one or more of the following criteria: it is a conservative change, it occurs at a poorly conserved position in the protein, it is predicted to be benign by multiple in silico algorithms, and/or has population frequency not consistent with disease.

NM_144736.5(NDUFAF7):c.387C>A (p.Thr129=)

Gene: NDUFAF7 (NADH:ubiquinone oxidoreductase complex assembly factor 7; plus strand). Cytogenetic location: 2p22.2.
Variant type: single nucleotide variant.
Coding change: c.387C>A on transcript NM_144736.5 (MANE Select); coding-DNA position 387, C replaced by A.
Protein change: p.Thr129=; no amino-acid change (threonine 129 retained).
Molecular consequence: synonymous variant. On other transcripts: non-coding transcript variant (9).
Genome position (GRCh38, 1-based): chr2:37,237,846, C>A. VCF-style: chr2-37237846-C-A. GRCh37 (hg19) VCF-style: chr2-37464989-C-A.
Other names: c.306C>A, p.Thr102= (NM_001083946.2, NM_001350025.2); c.387C>A, p.Thr129= (NM_001350024.2, NM_001350027.2).
Identifiers: ClinVar variation 507877 (VCV000507877.1), dbSNP rs556547531, ClinGen allele CA1617131.